The following is an entry in ClinVar:

NM_015311.3(OBSL1):c.1354A>G (p.Thr452Ala)

Gene: OBSL1 (obscurin like cytoskeletal adaptor 1; minus strand). Cytogenetic location: 2q35.
Variant type: single nucleotide variant.
Coding change: c.1354A>G on transcript NM_015311.3 (MANE Select); coding-DNA position 1354, A replaced by G.
Protein change: p.Thr452Ala; replaces threonine 452 with alanine.
Molecular consequence: missense variant.
Genome position (GRCh38, 1-based): chr2:219,567,898, T>C on the plus strand (A>G on the coding strand, the complement: OBSL1 is on the minus strand). VCF-style: chr2-219567898-T-C. GRCh37 (hg19) VCF-style: chr2-220432620-T-C.
Other names: c.1354A>G, p.Thr452Ala (NM_001173408.2, NM_001173431.2); short protein forms T452A.
Identifiers: ClinVar variation 2569101 (VCV002569101.4), dbSNP rs770306289, ClinGen allele CA2131549.
Genomic context (GRCh38, chr2:219,567,898, plus strand): 5'-AGATGACCGGCAGCTCCTCCCCATCACGGCTCCAGCGTCCCTCGACCCCGGCCTCTAGAG[T>C]TTCCACTAGCAGCACAGCATTCTCTCCTTCCAGGACGTCGAGCTTCCGGGGCAGGCGCTT-3'
Protein context (NP_056126.1, residues 442-462): EGENAVLLVE[Thr452Ala]LEAGVEGRWS

ClinVar aggregate classification (germline): Uncertain significance. Review status: criteria provided, multiple submitters, no conflicts (2 of 4 stars). 2 submissions from 2 submitters: Uncertain significance (2). Last evaluated 2023-07-22.

Conditions:
Inborn genetic diseases. Identifiers: MedGen C0950123, MeSH D030342.

Allele frequency attached by ClinVar (database versions not stated): gnomAD exomes 0.00002; gnomAD 0.00003; ExAC 0.00005.
gnomAD v4.1: 40 of 1,612,650 alleles (0.0025%); highest among the groups gnomAD compares: South Asian, 0.043%; no homozygotes.

Submissions (2):

Labcorp Genetics (formerly Invitae), Labcorp
Classification: Uncertain significance. Last evaluated: 2023-07-22. Review status: criteria provided, single submitter. Criteria: Invitae Variant Classification Sherloc (09022015). Collection method: clinical testing. Allele origin: germline.
Comment: In summary, the available evidence is currently insufficient to determine the role of this variant in disease. Therefore, it has been classified as a Variant of Uncertain Significance. An algorithm developed to predict the effect of missense changes on protein structure and function (PolyPhen-2) suggests that this variant is likely to be disruptive. ClinVar contains an entry for this variant (Variation ID: 2569101). This variant has not been reported in the literature in individuals affected with OBSL1-related conditions. This variant is present in population databases (rs770306289, gnomAD 0.03%). This sequence change replaces threonine, which is neutral and polar, with alanine, which is neutral and non-polar, at codon 452 of the OBSL1 protein (p.Thr452Ala).

Ambry Genetics
Classification: Uncertain significance for Inborn genetic diseases. Last evaluated: 2023-03-29. Review status: criteria provided, single submitter. Criteria: Ambry Variant Classification Scheme 2023. Collection method: clinical testing. Allele origin: germline.